The following is an entry in ClinVar:

NM_015378.4(VPS13D):c.10168C>T (p.Arg3390Ter)

Gene: VPS13D (vacuolar protein sorting 13 homolog D; plus strand). Cytogenetic location: 1p36.22.
Variant type: single nucleotide variant.
Coding change: c.10168C>T on transcript NM_015378.4 (MANE Select); coding-DNA position 10168, C replaced by T.
Protein change: p.Arg3390Ter; replaces arginine 3390 with a stop codon.
Molecular consequence: nonsense.
Genome position (GRCh38, 1-based): chr1:12,362,746, C>T. VCF-style: chr1-12362746-C-T. GRCh37 (hg19) VCF-style: chr1-12422802-C-T.
Other names: c.10093C>T, p.Arg3365Ter (NM_018156.4); short protein forms R3390*, R3365*.
Identifiers: ClinVar variation 2071139 (VCV002071139.4), dbSNP rs763507962, ClinGen allele CA603622.

ClinVar aggregate classification (germline): Pathogenic (1 of 4 stars; one submission).

Allele frequency attached by ClinVar (database versions not stated): TOPMed below 0.00001; ExAC 0.00001; gnomAD 0.00001.
gnomAD v4.1: 1 of 1,613,942 alleles (0.000062%); highest among the groups gnomAD compares: Non-Finnish European, 0.000085%; no homozygotes.

Submission:

Labcorp Genetics (formerly Invitae), Labcorp
Classification: Pathogenic. Last evaluated: 2022-02-06. Review status: criteria provided, single submitter. Criteria: Invitae Variant Classification Sherloc (09022015). Collection method: clinical testing. Allele origin: germline.
Comment: This sequence change creates a premature translational stop signal (p.Arg3390*) in the VPS13D gene. It is expected to result in an absent or disrupted protein product. Loss-of-function variants in VPS13D are known to be pathogenic (PMID: 29518281). This variant is present in population databases (rs763507962, gnomAD 0.006%). This variant has not been reported in the literature in individuals affected with VPS13D-related conditions. For these reasons, this variant has been classified as Pathogenic.

Literature cited by the submitters: PubMed 29518281.